The following is an entry in ClinVar:

ClinVar aggregate classification (germline): Uncertain significance (1 of 4 stars; one submission).

Conditions:
Hereditary cancer-predisposing syndrome. Also called: Hereditary neoplastic syndrome; Tumor predisposition; Hereditary Cancer Syndrome; Neoplastic Syndromes, Hereditary. Identifiers: Orphanet 140162, MedGen C0027672, MeSH D009386, MONDO:0015356.

Submission:

Ambry Genetics
Classification: Uncertain significance for Hereditary cancer-predisposing syndrome. Last evaluated: 2023-09-14. Review status: criteria provided, single submitter. Criteria: Ambry Variant Classification Scheme 2023. Collection method: clinical testing. Allele origin: germline.
Comment: The p.G11V variant (also known as c.32G>T), located in coding exon 1 of the SUFU gene, results from a G to T substitution at nucleotide position 32. The glycine at codon 11 is replaced by valine, an amino acid with dissimilar properties. This amino acid position is conserved. In addition, the in silico prediction for this alteration is inconclusive. Since supporting evidence is limited at this time, the clinical significance of this alteration remains unclear.

NM_016169.4(SUFU):c.32G>T (p.Gly11Val)

Genes: SUFU (SUFU negative regulator of hedgehog signaling; plus strand), LOC130004614 (ATAC-STARR-seq lymphoblastoid silent region 2764; plus strand). Cytogenetic location: 10q24.32.
Variant type: single nucleotide variant.
Coding change: c.32G>T on transcript NM_016169.4 (MANE Select); coding-DNA position 32, G replaced by T.
Protein change: p.Gly11Val; replaces glycine 11 with valine.
Molecular consequence: missense variant.
Genome position (GRCh38, 1-based): chr10:102,504,184, G>T. VCF-style: chr10-102504184-G-T. GRCh37 (hg19) VCF-style: chr10-104263941-G-T.
Other names: c.32G>T, p.Gly11Val (NM_001178133.2); short protein forms G11V.
Identifiers: ClinVar variation 2586928 (VCV002586928.2), dbSNP rs1227379293, ClinGen allele CA377886160.
Genomic context (GRCh38, chr10:102,504,184, plus strand): 5'-TTCCCCCAGTGCCTGCCCTACGCACCCCGATGGCGGAGCTGCGGCCTAGCGGCGCCCCCG[G>T]CCCCACCGCGCCCCCGGCCCCTGGCCCGACTGCCCCCCCGGCCTTCGCTTCGCTCTTTCC-3'
Protein context (NP_057253.2, residues 1-21): MAELRPSGAP[Gly11Val]PTAPPAPGPT